The following is an entry in ClinVar:

NM_001267550.2(TTN):c.78063C>T (p.Pro26021=)

Genes: TTN (titin; minus strand), TTN-AS1 (TTN antisense RNA 1; plus strand). Cytogenetic location: 2q31.2.
Variant type: single nucleotide variant.
Coding change: c.78063C>T on transcript NM_001267550.2 (MANE Select); coding-DNA position 78063, C replaced by T.
Protein change: p.Pro26021=; no amino-acid change (proline 26021 retained).
Molecular consequence: synonymous variant.
Genome position (GRCh38, 1-based): chr2:178,568,069, G>A on the plus strand (C>T on the coding strand, the complement: TTN is on the minus strand). VCF-style: chr2-178568069-G-A. GRCh37 (hg19) VCF-style: chr2-179432796-G-A.
Other names: c.78063C>T (LRG_391t1); c.73140C>T, p.Pro24380= (NM_001256850.1); c.50868C>T, p.Pro16956= (NM_003319.4); c.70359C>T, p.Pro23453= (NM_133378.4); c.51243C>T, p.Pro17081= (NM_133432.3); c.51444C>T, p.Pro17148= (NM_133437.4).
Identifiers: ClinVar variation 389567 (VCV000389567.20), dbSNP rs72648204, ClinGen allele CA1989668.

ClinVar aggregate classification (germline): Likely benign. Review status: criteria provided, multiple submitters, no conflicts (2 of 4 stars). 9 submissions from 9 submitters: Likely benign (9). Last evaluated 2026-08-01.

Conditions:
Cardiovascular phenotype. Identifiers: MedGen CN230736.
TTN-related disorder. Also called: TTN-related condition; TTN-related disease; TTN-related disorders.
Autosomal recessive limb-girdle muscular dystrophy type 2J (LGMDR10). Also called: Limb-girdle muscular dystrophy, type 2J; MUSCULAR DYSTROPHY, LIMB-GIRDLE, AUTOSOMAL RECESSIVE 10. Identifiers: Orphanet 140922, MedGen C1837342, MONDO:0012127, OMIM 608807.
Dilated cardiomyopathy 1G (CMD1G). Identifiers: Orphanet 154, MedGen C1858763, MONDO:0011400, OMIM 604145.
Myopathy, myofibrillar, 9, with early respiratory failure (MFM9). Also called: Hereditary myopathy with early respiratory failure; Myopathy, distal, with early respiratory failure, autosomal dominant; EDSTROM MYOPATHY; MYOPATHY, PROXIMAL, WITH EARLY RESPIRATORY MUSCLE INVOLVEMENT. Identifiers: Orphanet 178464, Orphanet 34521, MedGen C1863599, MONDO:0011362, OMIM 603689.
Tibial muscular dystrophy (TMD). Also called: Tibial muscular dystrophy, tardive; Udd Distal Myopathy – Tibial Muscular Dystrophy; UDD MYOPATHY. Identifiers: Orphanet 609, MedGen C1838244, MONDO:0010870, OMIM 600334.
Hypertrophic cardiomyopathy 9. Also called: Familial hypertrophic cardiomyopathy 9. Identifiers: MedGen C1861065, MONDO:0013412, OMIM 613765.
Early-onset myopathy with fatal cardiomyopathy (CMYO5). Also called: CONGENITAL MYOPATHY 5 WITH CARDIOMYOPATHY; Salih Myopathy. Identifiers: Orphanet 289377, MedGen C2673677, MONDO:0012714, OMIM 611705. Disease mechanism: loss of function.

Allele frequency attached by ClinVar (database versions not stated): gnomAD exomes 0.00002; ExAC 0.00003; gnomAD 0.00011; TOPMed 0.00014; ESP Exome Variant Server 0.00017; 1000 Genomes Project 0.00040; 1000 Genomes Project 30x 0.00062.
gnomAD v4.1: 53 of 1,613,246 alleles (0.0033%); highest among the groups gnomAD compares: African/African-American, 0.043%; no homozygotes.

Submissions (9):

CeGaT Center for Human Genetics Tuebingen
Classification: Likely benign. Last evaluated: 2026-08-01. Review status: criteria provided, single submitter. Criteria: CeGaT Center For Human Genetics Tuebingen Variant Classification Criteria Version 2. Collection method: clinical testing. Allele origin: germline. Affected: yes. Observed: 1 variant allele.
Comment: TTN: BP4, BP7

Women's Health and Genetics/Laboratory Corporation of America, LabCorp
Classification: Likely benign. Last evaluated: 2026-05-24. Review status: criteria provided, single submitter. Criteria: LabCorp Variant Classification Summary - May 2015. Collection method: clinical testing. Allele origin: germline.

Labcorp Genetics (formerly Invitae), Labcorp
Classification: Likely benign for Dilated cardiomyopathy 1G; Autosomal recessive limb-girdle muscular dystrophy type 2J. Last evaluated: 2025-12-29. Review status: criteria provided, single submitter. Criteria: Invitae Variant Classification Sherloc (09022015). Collection method: clinical testing. Allele origin: germline.

PreventionGenetics, part of Exact Sciences
Classification: Likely benign for TTN-related condition. Last evaluated: 2025-06-13. Review status: criteria provided, single submitter. Criteria: ACMG Guidelines, 2015. Collection method: clinical testing. Allele origin: germline.
Comment: This variant is classified as likely benign based on ACMG/AMP sequence variant interpretation guidelines (Richards et al. 2015 PMID: 25741868, with internal and published modifications).

Ambry Genetics
Classification: Likely benign for Cardiovascular phenotype. Last evaluated: 2022-02-16. Review status: criteria provided, single submitter. Criteria: Ambry Variant Classification Scheme 2023. Collection method: clinical testing. Allele origin: germline.

Fulgent Genetics
Classification: Likely benign for Tibial muscular dystrophy; Myopathy, myofibrillar, 9, with early respiratory failure; Dilated cardiomyopathy 1G; Autosomal recessive limb-girdle muscular dystrophy type 2J; Early-onset myopathy with fatal cardiomyopathy; Hypertrophic cardiomyopathy 9. Last evaluated: 2021-11-02. Review status: criteria provided, single submitter. Criteria: ACMG Guidelines, 2015. Collection method: clinical testing. Allele origin: unknown.

GeneDx
Classification: Likely benign. Last evaluated: 2021-03-03. Review status: criteria provided, single submitter. Criteria: GeneDx Variant Classification Process June 2021. Collection method: clinical testing. Allele origin: germline. Affected: yes.

Blueprint Genetics
Classification: Likely benign. Last evaluated: 2020-02-03. Review status: criteria provided, single submitter. Criteria: ACMG Guidelines, 2015. Collection method: clinical testing. Allele origin: germline.

Athena Diagnostics
Classification: Likely benign. Last evaluated: 2016-08-16. Review status: criteria provided, single submitter. Criteria: Athena Diagnostics Criteria. Collection method: clinical testing. Allele origin: germline.